The following is an entry in ClinVar:

ClinVar aggregate classification (germline): Benign/Likely benign. Review status: criteria provided, multiple submitters, no conflicts (2 of 4 stars). 4 submissions from 4 submitters: Benign (1); Likely benign (3). Last evaluated 2026-08-05.

Conditions:
Hereditary pheochromocytoma and paraganglioma. Also called: Hereditary paragangliomas and pheochromocytomas; Hereditary Paraganglioma-Pheochromocytoma Syndromes; Hereditary pheochromocytoma-paraganglioma. Identifiers: Orphanet 29072, MedGen C4274332, MONDO:0017366.
Pheochromocytoma/paraganglioma syndrome 2. Also called: SDHAF2-Related Hereditary Paraganglioma-Pheochromocytoma Syndrome; GLOMUS TUMORS, FAMILIAL, 2; Paragangliomas 2; SDHAF2-Related Hereditary Paraganglioma-Pheochromocytoma Syndrome (Paragangliomas 2). Identifiers: Orphanet 29072, MedGen C1866552, MONDO:0011121, OMIM 601650.
Hereditary cancer-predisposing syndrome. Also called: Hereditary Cancer Syndrome; Hereditary neoplastic syndrome; Neoplastic Syndromes, Hereditary; Tumor predisposition. Identifiers: Orphanet 140162, MedGen C0027672, MeSH D009386, MONDO:0015356.

Allele frequency attached by ClinVar (database versions not stated): gnomAD exomes 0.00001.
gnomAD v4.1: 9 of 1,614,182 alleles (0.00056%); highest among the groups gnomAD compares: Non-Finnish European, 0.00068%; no homozygotes.

Submissions (4):

Myriad Genetics, Inc.
Classification: Benign for Pheochromocytoma/paraganglioma syndrome 2. Last evaluated: 2026-08-05. Review status: criteria provided, single submitter. Criteria: Myriad Autosomal Dominant, Autosomal Recessive and X-Linked Classification Criteria (2023). Collection method: clinical testing. Allele origin: unknown.
Comment: This variant is considered benign. This variant is a silent/synonymous amino acid change and it is not expected to impact splicing.

Color Diagnostics, LLC DBA Color Health
Classification: Likely benign for Hereditary pheochromocytoma and paraganglioma. Last evaluated: 2025-07-14. Review status: criteria provided, single submitter. Criteria: ACMG Guidelines, 2015. Collection method: clinical testing. Allele origin: germline.

Labcorp Genetics (formerly Invitae), Labcorp
Classification: Likely benign for Hereditary pheochromocytoma and paraganglioma. Last evaluated: 2024-10-12. Review status: criteria provided, single submitter. Criteria: Invitae Variant Classification Sherloc (09022015). Collection method: clinical testing. Allele origin: germline.

Ambry Genetics
Classification: Likely benign for Hereditary cancer-predisposing syndrome. Last evaluated: 2019-12-02. Review status: criteria provided, single submitter. Criteria: Ambry Variant Classification Scheme 2023. Collection method: clinical testing. Allele origin: germline.

NM_017841.4(SDHAF2):c.456A>G (p.Arg152=)

Gene: SDHAF2 (succinate dehydrogenase complex assembly factor 2; plus strand). Cytogenetic location: 11q12.2.
Variant type: single nucleotide variant.
Coding change: c.456A>G on transcript NM_017841.4 (MANE Select); coding-DNA position 456, A replaced by G.
Protein change: p.Arg152=; no amino-acid change (arginine 152 retained).
Molecular consequence: synonymous variant.
Genome position (GRCh38, 1-based): chr11:61,446,026, A>G. VCF-style: chr11-61446026-A-G. GRCh37 (hg19) VCF-style: chr11-61213498-A-G.
Identifiers: ClinVar variation 1079351 (VCV001079351.12), dbSNP rs2134902088, ClinGen allele CA474523524.